The following is an entry in ClinVar:

ClinVar aggregate classification (germline): Uncertain significance (1 of 4 stars; one submission).

Allele frequency attached by ClinVar (database versions not stated): gnomAD exomes below 0.00001; gnomAD 0.00001; TOPMed below 0.00001.
gnomAD v4.1: 4 of 1,613,434 alleles (0.00025%); highest among the groups gnomAD compares: Non-Finnish European, 0.00034%; no homozygotes.

Submission:

Labcorp Genetics (formerly Invitae), Labcorp
Classification: Uncertain significance. Last evaluated: 2025-10-22. Review status: criteria provided, single submitter. Criteria: Invitae Variant Classification Sherloc (09022015). Collection method: clinical testing. Allele origin: germline.
Comment: This sequence change affects codon 2084 of the CACNA1D mRNA. It is a 'silent' change, meaning that it does not change the encoded amino acid sequence of the CACNA1D protein. It affects a nucleotide within the consensus splice site. This variant is present in population databases (no rsID available, gnomAD 0.01%). This variant has not been reported in the literature in individuals affected with CACNA1D-related conditions. ClinVar contains an entry for this variant (Variation ID: 1972584). Algorithms developed to predict the effect of sequence changes on RNA splicing suggest that this variant is not likely to affect RNA splicing. In summary, the available evidence is currently insufficient to determine the role of this variant in disease. Therefore, it has been classified as a Variant of Uncertain Significance.

NM_001128840.3(CACNA1D):c.6192A>G (p.Ala2064=)

Gene: CACNA1D (calcium voltage-gated channel subunit alpha1 D; plus strand). Cytogenetic location: 3p21.1.
Variant type: single nucleotide variant.
Coding change: c.6192A>G on transcript NM_001128840.3 (MANE Select); coding-DNA position 6192, A replaced by G.
Protein change: p.Ala2064=; no amino-acid change (alanine 2064 retained).
Molecular consequence: synonymous variant.
Genome position (GRCh38, 1-based): chr3:53,810,298, A>G. VCF-style: chr3-53810298-A-G. GRCh37 (hg19) VCF-style: chr3-53844325-A-G.
Other names: c.6252A>G, p.Ala2084= (NM_000720.4); c.6120A>G, p.Ala2040= (NM_001128839.3).
Identifiers: ClinVar variation 1972584 (VCV001972584.5), dbSNP rs1463813811, ClinGen allele CA433896167.